The following is an entry in ClinVar:

NM_001276270.2(MBD4):c.320A>G (p.Asp107Gly)

Gene: MBD4 (methyl-CpG binding domain 4, DNA glycosylase; minus strand). Cytogenetic location: 3q21.3.
Variant type: single nucleotide variant.
Coding change: c.320A>G on transcript NM_001276270.2 (MANE Select); coding-DNA position 320, A replaced by G.
Protein change: p.Asp107Gly; replaces aspartic acid 107 with glycine.
Molecular consequence: missense variant. On other transcripts: intron variant (1).
Genome position (GRCh38, 1-based): chr3:129,437,735, T>C on the plus strand (A>G on the coding strand, the complement: MBD4 is on the minus strand). VCF-style: chr3-129437735-T-C. GRCh37 (hg19) VCF-style: chr3-129156578-T-C.
Other names: c.320A>G, p.Asp107Gly (NM_001276271.2, NM_001276272.2, NM_003925.3); c.247+73A>G (NM_001276273.2); short protein forms D107G.
Identifiers: ClinVar variation 3655437 (VCV003655437.2).

ClinVar aggregate classification (germline): Uncertain significance (1 of 4 stars; one submission).

gnomAD v4.1: 1 of 1,613,378 alleles (0.000062%); highest among the groups gnomAD compares: Non-Finnish European, 0.000085%; no homozygotes.

Submission:

Labcorp Genetics (formerly Invitae), Labcorp
Classification: Uncertain significance. Last evaluated: 2024-06-04. Review status: criteria provided, single submitter. Criteria: Invitae Variant Classification Sherloc (09022015). Collection method: clinical testing. Allele origin: germline.
Comment: This sequence change replaces aspartic acid, which is acidic and polar, with glycine, which is neutral and non-polar, at codon 107 of the MBD4 protein (p.Asp107Gly). This variant is not present in population databases (gnomAD no frequency). This variant has not been reported in the literature in individuals affected with MBD4-related conditions. An algorithm developed to predict the effect of missense changes on protein structure and function (PolyPhen-2) suggests that this variant is likely to be disruptive. In summary, the available evidence is currently insufficient to determine the role of this variant in disease. Therefore, it has been classified as a Variant of Uncertain Significance.